The following continues an entry in ClinVar:

NM_020975.6(RET):c.1832G>A (p.Cys611Tyr)

Gene: RET. ClinVar aggregate classification (germline): Pathogenic. Pathogenic (13).

Submissions 8 to 16 of 16:

Quest Diagnostics Nichols Institute San Juan Capistrano
Classification: Pathogenic. Last evaluated: 2024-06-24. Review status: criteria provided, single submitter. Criteria: Quest Diagnostics criteria. Collection method: clinical testing. Allele origin: unknown.
Comment: The RET c.1832G>A (p.Cys611Tyr) variant has been reported in the published literature in multiple individuals and families with FMTC and MEN2A (PMIDs: 34697415 (2022), 34087905 (2021), 30618340 (2019), 30550378 (2019), 29656518 (2018), 25694125 (2015), 23407919 (2013), 20979234 (2011), and 8557249 (1996)). This variant is located at a conserved cysteine residue that is a hotspot for variants associated with FMTC/MEN2A, and in vitro functional studies indicate that the variant is associated with transforming activity (PMID: 9230192 (1997)). This variant has not been reported in large, multi-ethnic general populations (Genome Aggregation Database). Analysis of this variant using bioinformatics tools for the prediction of the effect of amino acid changes on protein structure and function yielded predictions that this variant is damaging. Based on the available information, this variant is classified as pathogenic.

Ambry Genetics
Classification: Pathogenic for Hereditary cancer-predisposing syndrome. Last evaluated: 2024-01-30. Review status: criteria provided, single submitter. Criteria: Ambry Variant Classification Scheme 2023. Collection method: clinical testing. Allele origin: germline.
Comment: The p.C611Y pathogenic mutation (also known as c.1832G>A), located in coding exon 10 of the RET gene, results from a G to A substitution at nucleotide position 1832. The cysteine at codon 611 is replaced by tyrosine, an amino acid with highly dissimilar properties. This pathogenic mutation has been reported in numerous individuals and families diagnosed with Multiple Endocrine Neoplasia Type 2A (MEN2A) or Familial Medullary Thyroid Cancer (FMTC) (Landsvater RM et al. Hum. Genet. 1996;97:11-4; Kaserer K et al. Am. J. Surg. Pathol. 2001;25:1245-51; Liu Q et al. Medicine (Baltimore). 2017 Jan;96(3):e5967; Mathiesen JS et al. Thyroid. 2017 Feb;27(2):215-223; Machens A et al. Hum Mutat. 2018 06;39:860-869; Mathiesen JS et al. Endocr Connect. 2019 Jan;8:1-7; Mathiesen JS et al. Clin Epidemiol. 2019 Jan;11:93-99; Mathiesen JS et al. Thyroid, 2019 03;29:368-377). In addition to thyroid symptoms, multiple individuals with this mutation have presented with pheochromocytoma in their seventies (Schuurman B Neth J Med 2001;58:236-40; Sjursen W et al. Fam. Cancer 2013;12(3):529-35). Several other alterations at the same codon (p.C611F, p.C611R, p.C611S, p.C611W, and p.C611G) have been described in individuals with MEN2A and FMTC. The American Thyroid Association Guidelines Task Force has provided recommendations for individuals with RET gene mutations (Kloos et al. Thyroid. 2009 June; 19(6):565-612). This variant was not reported in population-based cohorts in the Genome Aggregation Database (gnomAD). This amino acid position is highly conserved in available vertebrate species. In addition, this alteration is predicted to be deleterious by in silico analysis. Based on the supporting evidence, this alteration is pathogenic for MEN2; however, the association of this alteration with Hirschsprung disease is unknown.

Blueprint Genetics
Classification: Pathogenic for RET-related disorders. Last evaluated: 2021-11-11. Review status: criteria provided, single submitter. Criteria: ACMG Guidelines, 2015. Collection method: clinical testing. Allele origin: germline. Affected: yes. Observed: 5 variant alleles.

GeneDx
Classification: Pathogenic. Last evaluated: 2017-10-31. Review status: criteria provided, single submitter. Criteria: GeneDx Variant Classification (06012015). Collection method: clinical testing. Allele origin: germline. Affected: yes.
Comment: The C611Y missense variant in the RET gene has previously been reported in association with multiple endocrine neoplasia type 2, as well as familial medullary thyroid cancer (Landsvater et al., 1996; Frank-Raue et al., 2011; Korpershoek et al., 2014; Yeganeh et al., 2015). Functional studies show C611Y significantly decreased RET activity (Ito et al., 1997). The C611Y variant was not observed in approximately 6,500 individuals of European and African American ancestry in the NHLBI Exome Sequencing Project, indicating it is not a common benign variant in these populations. The C611Y variant is a non-conservative amino acid substitution, which is likely to impact secondary protein structure as these residues differ in polarity, charge, size and/or other properties. This substitution occurs at a position that is conserved across species. In silico analysis predicts this variant is probably damaging to the protein structure/function. Multiple missense variants at the same residue, as well as nearby residues, have been reported in the Human Gene Mutation Database in association with MEN2A-related disorders (Stenson et al., 2014). Therefore, we interpret C611Y as a pathogenic variant.

Clinical Genetics and Genomics, Karolinska University Hospital
Classification: Pathogenic. Last evaluated: 2014-11-10. Review status: criteria provided, single submitter. Criteria: ACMG Guidelines, 2015. Collection method: clinical testing. Allele origin: germline. Affected: yes. Observed: 4 variant alleles.

University Health Network, Familial Cancer Clinic, Princess Margaret Cancer Centre
Classification: Pathogenic for Keratoconus 1. Review status: criteria provided, single submitter. Criteria: ACMG Guidelines, 2015. Collection method: clinical testing. Allele origin: germline. Inheritance: Autosomal dominant inheritance. Affected: yes. Observed: 1 variant allele.

Clinical Genetics DNA and cytogenetics Diagnostics Lab, Erasmus MC, Erasmus Medical Center
Classification: Pathogenic. Review status: no assertion criteria provided. Collection method: clinical testing. Allele origin: germline. Affected: yes. Study: VKGL Data-share Consensus. Not counted in ClinVar's aggregate classification.

Genome Diagnostics Laboratory, University Medical Center Utrecht
Classification: Pathogenic. Review status: no assertion criteria provided. Collection method: clinical testing. Allele origin: germline. Affected: yes. Study: VKGL Data-share Consensus. Not counted in ClinVar's aggregate classification.

Joint Genome Diagnostic Labs from Nijmegen and Maastricht, Radboudumc and MUMC+
Classification: Pathogenic. Review status: no assertion criteria provided. Collection method: clinical testing. Allele origin: germline. Affected: yes. Study: VKGL Data-share Consensus. Not counted in ClinVar's aggregate classification.

Literature cited by the submitters: PubMed 33827484 (cited by Myriad Genetics, Inc. and All of Us Research Program, National Institutes of Health); PubMed 33397040 (cited by Myriad Genetics, Inc. and All of Us Research Program, National Institutes of Health); PubMed 29760189 (cited by Myriad Genetics, Inc. and All of Us Research Program, National Institutes of Health); PubMed 31043326 (cited by Myriad Genetics, Inc.); PubMed 25720320 (cited by Myriad Genetics, Inc.); PubMed 25810047 (cited by 3 submitters); PubMed 20979234 (cited by 3 submitters); PubMed 27809725 (cited by 3 submitters); PubMed 8765374 (cited by Labcorp Genetics (formerly Invitae), Labcorp); PubMed 11395220 (cited by 3 submitters); PubMed 11688458 (cited by 3 submitters); PubMed 14561794 (cited by Labcorp Genetics (formerly Invitae), Labcorp); PubMed 16712668 (cited by Labcorp Genetics (formerly Invitae), Labcorp and Quest Diagnostics Nichols Institute San Juan Capistrano); PubMed 17639058 (cited by Labcorp Genetics (formerly Invitae), Labcorp); PubMed 28099363 (cited by 3 submitters); PubMed 9230192 (cited by 3 submitters); PubMed 30300539 (cited by Women's Health and Genetics/Laboratory Corporation of America, LabCorp and All of Us Research Program, National Institutes of Health); PubMed 29020875 (cited by All of Us Research Program, National Institutes of Health); PubMed 29656518 (cited by 3 submitters); PubMed 31409511 (cited by All of Us Research Program, National Institutes of Health); PubMed 34777782 (cited by All of Us Research Program, National Institutes of Health); PubMed 36780067 (cited by All of Us Research Program, National Institutes of Health); PubMed 8557249 (cited by Quest Diagnostics Nichols Institute San Juan Capistrano and Ambry Genetics); PubMed 23407919 (cited by Quest Diagnostics Nichols Institute San Juan Capistrano and Ambry Genetics); PubMed 25694125 (cited by Quest Diagnostics Nichols Institute San Juan Capistrano); PubMed 7907913 (cited by Quest Diagnostics Nichols Institute San Juan Capistrano); PubMed 20063095 (cited by Quest Diagnostics Nichols Institute San Juan Capistrano); PubMed 10951350 (cited by Quest Diagnostics Nichols Institute San Juan Capistrano); PubMed 8855832 (cited by Quest Diagnostics Nichols Institute San Juan Capistrano); PubMed 18062802 (cited by Quest Diagnostics Nichols Institute San Juan Capistrano); PubMed 26033033 (cited by Quest Diagnostics Nichols Institute San Juan Capistrano); PubMed 30550378 (cited by Quest Diagnostics Nichols Institute San Juan Capistrano and Ambry Genetics); PubMed 30618340 (cited by Quest Diagnostics Nichols Institute San Juan Capistrano and Ambry Genetics); PubMed 34087905 (cited by Quest Diagnostics Nichols Institute San Juan Capistrano); PubMed 34697415 (cited by Quest Diagnostics Nichols Institute San Juan Capistrano); PubMed 25379023 (cited by Quest Diagnostics Nichols Institute San Juan Capistrano); PubMed 30666164 (cited by Ambry Genetics).